The following is an entry in ClinVar:

ClinVar aggregate classification (germline): Uncertain significance (1 of 4 stars; one submission).

Conditions:
Joubert syndrome. Also called: CEREBELLOPARENCHYMAL DISORDER IV; JOUBERT-BOLTSHAUSER SYNDROME; Familial aplasia of the vermis. Identifiers: Orphanet 475, MedGen C5979921, MONDO:0018772.

Submission:

Labcorp Genetics (formerly Invitae), Labcorp
Classification: Uncertain significance for Joubert syndrome. Last evaluated: 2022-06-18. Review status: criteria provided, single submitter. Criteria: Invitae Variant Classification Sherloc (09022015). Collection method: clinical testing. Allele origin: germline.
Comment: This sequence change replaces valine, which is neutral and non-polar, with leucine, which is neutral and non-polar, at codon 335 of the INPP5E protein (p.Val335Leu). This variant is not present in population databases (gnomAD no frequency). In summary, the available evidence is currently insufficient to determine the role of this variant in disease. Therefore, it has been classified as a Variant of Uncertain Significance. Advanced modeling of protein sequence and biophysical properties (such as structural, functional, and spatial information, amino acid conservation, physicochemical variation, residue mobility, and thermodynamic stability) performed at Invitae indicates that this missense variant is not expected to disrupt INPP5E protein function. This variant has not been reported in the literature in individuals affected with INPP5E-related conditions.

NM_019892.6(INPP5E):c.1003G>C (p.Val335Leu)

Gene: INPP5E (inositol polyphosphate-5-phosphatase E; minus strand). Cytogenetic location: 9q34.3.
Variant type: single nucleotide variant.
Coding change: c.1003G>C on transcript NM_019892.6 (MANE Select); coding-DNA position 1003, G replaced by C.
Protein change: p.Val335Leu; replaces valine 335 with leucine.
Molecular consequence: missense variant.
Genome position (GRCh38, 1-based): chr9:136,434,068, C>G on the plus strand (G>C on the coding strand, the complement: INPP5E is on the minus strand). VCF-style: chr9-136434068-C-G. GRCh37 (hg19) VCF-style: chr9-139328520-C-G.
Other names: c.1003G>C, p.Val335Leu (NM_001318502.2); short protein forms V335L.
Identifiers: ClinVar variation 2008125 (VCV002008125.4), dbSNP rs1245035123, ClinGen allele CA375564924.